The following is an entry in ClinVar:

NM_000038.6(APC):c.7971T>C (p.Val2657=)

Gene: APC (APC regulator of Wnt signaling pathway; plus strand). Cytogenetic location: 5q22.2.
Variant type: single nucleotide variant.
Coding change: c.7971T>C on transcript NM_000038.6 (MANE Select); coding-DNA position 7971, T replaced by C.
Protein change: p.Val2657=; no amino-acid change (valine 2657 retained).
Molecular consequence: synonymous variant. On other transcripts: non-coding transcript variant (2).
Genome position (GRCh38, 1-based): chr5:112,843,565, T>C. VCF-style: chr5-112843565-T-C. GRCh37 (hg19) VCF-style: chr5-112179262-T-C.
Other names: c.7971T>C, p.Val2657= (NM_001127510.3, NM_001354895.2, NM_001407450.1); c.7917T>C, p.Val2639= (NM_001127511.3); c.8025T>C, p.Val2675= (NM_001354896.2, NM_001407447.1, NM_001407448.1 and 1 more transcripts); c.8001T>C, p.Val2667= (NM_001354897.2); c.7896T>C, p.Val2632= (NM_001354898.2); c.7887T>C, p.Val2629= (NM_001354899.2); c.7848T>C, p.Val2616= (NM_001354900.2); c.7794T>C, p.Val2598= (NM_001354901.2, NM_001407453.1); and 11 more.
Identifiers: ClinVar variation 1761432 (VCV001761432.3), dbSNP rs2149997186, ClinGen allele CA446210992.

ClinVar aggregate classification (germline): Benign/Likely benign. Review status: criteria provided, multiple submitters, no conflicts (2 of 4 stars). 2 submissions from 2 submitters: Benign (1); Likely benign (1). Last evaluated 2024-04-11.

Conditions:
Hereditary cancer-predisposing syndrome. Also called: Neoplastic Syndromes, Hereditary; Tumor predisposition; Hereditary Cancer Syndrome; Hereditary neoplastic syndrome. Identifiers: Orphanet 140162, MedGen C0027672, MeSH D009386, MONDO:0015356.
Familial adenomatous polyposis 1 (FAP1). Also called: FAMILIAL ADENOMATOUS POLYPOSIS 1, ATTENUATED; POLYPOSIS, ADENOMATOUS INTESTINAL. Identifiers: MedGen C2713442, MONDO:0021056, OMIM 175100. Disease mechanism: loss of function.

Submissions (2):

Myriad Genetics, Inc.
Classification: Benign for Familial adenomatous polyposis 1. Last evaluated: 2024-04-11. Review status: criteria provided, single submitter. Criteria: Myriad Autosomal Dominant, Autosomal Recessive and X-Linked Classification Criteria (2023). Collection method: clinical testing. Allele origin: unknown.
Comment: This variant is considered benign. This variant is a silent/synonymous amino acid change and it is not expected to impact splicing.

Ambry Genetics
Classification: Likely benign for Hereditary cancer-predisposing syndrome. Last evaluated: 2019-07-10. Review status: criteria provided, single submitter. Criteria: Ambry Variant Classification Scheme 2023. Collection method: clinical testing. Allele origin: germline.